The following is an entry in ClinVar:

ClinVar aggregate classification (germline): Conflicting classifications of pathogenicity. Review status: criteria provided, conflicting classifications (1 of 4 stars). 4 submissions from 4 submitters: Uncertain significance (3); Likely benign (1). Last evaluated 2024-10-08.

Conditions:
Inborn genetic diseases. Identifiers: MedGen C0950123, MeSH D030342.

Allele frequency attached by ClinVar (database versions not stated): gnomAD exomes 0.00001; ExAC 0.00002; TOPMed 0.00003; ESP Exome Variant Server 0.00017.
gnomAD v4.1: 25 of 1,520,530 alleles (0.0016%); highest among the groups gnomAD compares: Admixed American, 0.0066%; no homozygotes.

Submissions (4):

Blueprint Genetics
Classification: Uncertain significance. Last evaluated: 2024-10-08. Review status: criteria provided, single submitter. Criteria: ACMG Guidelines, 2015. Collection method: clinical testing. Allele origin: germline.

Ambry Genetics
Classification: Uncertain significance for Inborn genetic diseases. Last evaluated: 2023-05-30. Review status: criteria provided, single submitter. Criteria: Ambry Variant Classification Scheme 2023. Collection method: clinical testing. Allele origin: germline.

Labcorp Genetics (formerly Invitae), Labcorp
Classification: Uncertain significance. Last evaluated: 2021-12-02. Review status: criteria provided, single submitter. Criteria: Invitae Variant Classification Sherloc (09022015). Collection method: clinical testing. Allele origin: germline.
Comment: This sequence change replaces glycine, which is neutral and non-polar, with arginine, which is basic and polar, at codon 34 of the EARS2 protein (p.Gly34Arg). The frequency data for this variant in the population databases is considered unreliable, as metrics indicate poor data quality at this position in the gnomAD database. This variant has not been reported in the literature in individuals affected with EARS2-related conditions. ClinVar contains an entry for this variant (Variation ID: 1191713). Advanced modeling of protein sequence and biophysical properties (such as structural, functional, and spatial information, amino acid conservation, physicochemical variation, residue mobility, and thermodynamic stability) performed at Invitae indicates that this missense variant is not expected to disrupt EARS2 protein function. Algorithms developed to predict the effect of sequence changes on RNA splicing suggest that this variant may create or strengthen a splice site. In summary, the available evidence is currently insufficient to determine the role of this variant in disease. Therefore, it has been classified as a Variant of Uncertain Significance.

GeneDx
Classification: Likely benign. Last evaluated: 2020-04-06. Review status: criteria provided, single submitter. Criteria: GeneDx Variant Classification Process June 2021. Collection method: clinical testing. Allele origin: germline. Affected: yes.

NM_001083614.2(EARS2):c.100G>A (p.Gly34Arg)

Genes: EARS2 (glutamyl-tRNA synthetase 2, mitochondrial; minus strand), LOC130058664 (ATAC-STARR-seq lymphoblastoid active region 10583; plus strand). Cytogenetic location: 16p12.2.
Variant type: single nucleotide variant.
Coding change: c.100G>A on transcript NM_001083614.2 (MANE Select); coding-DNA position 100, G replaced by A.
Protein change: p.Gly34Arg; replaces glycine 34 with arginine.
Molecular consequence: missense variant. On other transcripts: non-coding transcript variant (1).
Genome position (GRCh38, 1-based): chr16:23,557,244, C>T on the plus strand (G>A on the coding strand, the complement: EARS2 is on the minus strand). VCF-style: chr16-23557244-C-T. GRCh37 (hg19) VCF-style: chr16-23568565-C-T.
Other names: c.100G>A, p.Gly34Arg (NM_001308211.1); short protein forms G34R.
Identifiers: ClinVar variation 1191713 (VCV001191713.13), dbSNP rs372762172, ClinGen allele CA7962748.